The following is an entry in ClinVar:

ClinVar aggregate classification (germline): Uncertain significance (1 of 4 stars; one submission).

Allele frequency attached by ClinVar (database versions not stated): gnomAD exomes 0.00001.
gnomAD v4.1: 11 of 1,611,442 alleles (0.00068%); highest among the groups gnomAD compares: South Asian, 0.011%; no homozygotes.

Submission:

GeneDx
Classification: Uncertain significance. Last evaluated: 2021-01-08. Review status: criteria provided, single submitter. Criteria: GeneDx Variant Classification Process June 2021. Collection method: clinical testing. Allele origin: germline. Affected: yes.
Comment: Not observed at a significant frequency in large population cohorts (Lek et al., 2016); In silico analysis supports that this missense variant has a deleterious effect on protein structure/function; Has not been previously published as pathogenic or benign to our knowledge

NM_001101426.4(CRPPA):c.727T>G (p.Leu243Val)

Gene: CRPPA (CDP-L-ribitol pyrophosphorylase A; minus strand). Cytogenetic location: 7p21.2.
Variant type: single nucleotide variant.
Coding change: c.727T>G on transcript NM_001101426.4 (MANE Select); coding-DNA position 727, T replaced by G.
Protein change: p.Leu243Val; replaces leucine 243 with valine.
Molecular consequence: missense variant. On other transcripts: intron variant (1).
Genome position (GRCh38, 1-based): chr7:16,308,585, A>C on the plus strand (T>G on the coding strand, the complement: CRPPA is on the minus strand). VCF-style: chr7-16308585-A-C. GRCh37 (hg19) VCF-style: chr7-16348210-A-C.
Other names: c.577T>G, p.Leu193Val (NM_001101417.4); c.685-7119T>G (NM_001368197.1); short protein forms L193V, L243V.
Identifiers: ClinVar variation 1314044 (VCV001314044.2), dbSNP rs756109539, ClinGen allele CA4169516.
Genomic context (GRCh38, chr7:16,308,585, plus strand): 5'-TCCAGAGGTCAGGTGATCCTTCTACAAGTTTGGCTTTAGTGCAACAGTATTTTAGGGCCA[A>C]TTGCAAACACTCAGTTCCAAATTCCAAGTCATAGTCACTACACTGGTGTGGAAACAACAA-3'
Protein context (NP_001094896.1, residues 233-253): DLEFGTECLQ[Leu243Val]ALKYCCTKAK